The following is an entry in ClinVar:

ClinVar aggregate classification (germline): Uncertain significance (1 of 4 stars; one submission).

Conditions:
BAZ2B-related Neurodevelopmental disorder.

Allele frequency attached by ClinVar (database versions not stated): gnomAD exomes below 0.00001; TOPMed below 0.00001.
gnomAD v4.1: 3 of 1,518,354 alleles (0.0002%); highest among the groups gnomAD compares: African/African-American, 0.0028%; no homozygotes.

Submission:

New York Genome Center
Classification: Uncertain significance for BAZ2B-related Neurodevelopmental disorder. Last evaluated: 2022-01-14. Review status: criteria provided, single submitter. Criteria: NYGC Assertion Criteria 2020. Collection method: clinical testing. Allele origin: inherited. Observed: 1 heterozygote. Study: CSER-NYCKidSeq.
Comment: The inherited heterozygous c.2255+10A>G splice-region variant identified in intron 11 (of 36) of the BAZ2B gene has not been reported in affected individuals in the literature or in the ClinVar database. The variant is absent from gnomAD(v3) database suggesting it is not a common benign variant in the populations represented in that database. The variant is predicted by multiple in silico tools to alter the wild-type mRNA splicing (TRAP score = 0.612,Donor Gain SpliceAI score = 1.00). Based on the available evidence, the inherited heterozygous c.2255+10A>G splice-region variant identified in the BAZ2B gene is reported as a variant ofuncertain significance.

NM_013450.4(BAZ2B):c.2255+10A>G

Gene: BAZ2B (bromodomain adjacent to zinc finger domain 2B; minus strand). Cytogenetic location: 2q24.2.
Variant type: single nucleotide variant.
Coding change: c.2255+10A>G on transcript NM_013450.4 (MANE Select); 10 bases into the intron after coding-DNA position 2255, A replaced by G.
Molecular consequence: intron variant.
Genome position (GRCh38, 1-based): chr2:159,429,190, T>C on the plus strand (A>G on the coding strand, the complement: BAZ2B is on the minus strand). VCF-style: chr2-159429190-T-C. GRCh37 (hg19) VCF-style: chr2-160285701-T-C.
Other names: c.2249+10A>G (NM_001289975.1); c.2066+10A>G (NM_001329857.2); c.2255+10A>G (NM_001329858.2).
Identifiers: ClinVar variation 1701713 (VCV001701713.1), dbSNP rs1302278630, ClinGen allele CA759607268.